The following is an entry in ClinVar:

NM_005557.4(KRT16):c.1066T>C (p.Ser356Pro)

Gene: KRT16 (keratin 16; minus strand). Cytogenetic location: 17q21.2.
Variant type: single nucleotide variant.
Coding change: c.1066T>C on transcript NM_005557.4 (MANE Select); coding-DNA position 1066, T replaced by C.
Protein change: p.Ser356Pro; replaces serine 356 with proline.
Molecular consequence: missense variant.
Genome position (GRCh38, 1-based): chr17:41,610,545, A>G on the plus strand (T>C on the coding strand, the complement: KRT16 is on the minus strand). VCF-style: chr17-41610545-A-G. GRCh37 (hg19) VCF-style: chr17-39766797-A-G.
Other names: short protein forms S356P.
Identifiers: ClinVar variation 1714216 (VCV001714216.5), dbSNP rs2508753415, ClinGen allele CA399490140.

ClinVar aggregate classification (germline): Uncertain significance (1 of 4 stars; one submission).

Submission:

Labcorp Genetics (formerly Invitae), Labcorp
Classification: Uncertain significance. Last evaluated: 2023-05-08. Review status: criteria provided, single submitter. Criteria: Invitae Variant Classification Sherloc (09022015). Collection method: clinical testing. Allele origin: germline.
Comment: This variant is not present in population databases (gnomAD no frequency). This variant has not been reported in the literature in individuals affected with KRT16-related conditions. ClinVar contains an entry for this variant (Variation ID: 1714216). Advanced modeling of protein sequence and biophysical properties (such as structural, functional, and spatial information, amino acid conservation, physicochemical variation, residue mobility, and thermodynamic stability) performed at Invitae indicates that this missense variant is not expected to disrupt KRT16 protein function. In summary, the available evidence is currently insufficient to determine the role of this variant in disease. Therefore, it has been classified as a Variant of Uncertain Significance. This sequence change replaces serine, which is neutral and polar, with proline, which is neutral and non-polar, at codon 356 of the KRT16 protein (p.Ser356Pro).